The following is an entry in ClinVar:

NM_152564.5(VPS13B):c.4042+117_4042+120del

Gene: VPS13B (vacuolar protein sorting 13 homolog B; plus strand). Cytogenetic location: 8q22.2.
Variant type: Deletion.
Coding change: c.4042+117_4042+120del on transcript NM_152564.5 (MANE Select); bases 117 to 120 of the intron after coding-DNA position 4042, 4 bases deleted (TTCC; older notation c.4042+117_4042+120delTTCC).
Molecular consequence: intron variant.
Genome position (GRCh38, 1-based): chr8:99,501,975-99,501,978, TTCC deleted. VCF-style (leftmost placement, unchanged base first): chr8-99501974-TTTCC-T. GRCh37 (hg19) VCF-style: chr8-100514202-TTTCC-T.
Other names: c.4042+117_4042+120del (NM_017890.5).
Identifiers: ClinVar variation 1703950 (VCV001703950.2), dbSNP rs1563764317, ClinGen allele CA584327619.

ClinVar aggregate classification (germline): Likely benign (1 of 4 stars; one submission).

Allele frequency attached by ClinVar (database versions not stated): gnomAD exomes 0.00021; gnomAD 0.00302.

Submission:

GeneDx
Classification: Likely benign. Last evaluated: 2020-10-15. Review status: criteria provided, single submitter. Criteria: GeneDx Variant Classification Process June 2021. Collection method: clinical testing. Allele origin: germline. Affected: yes.
Comment: See Variant Classification Assertion Criteria.